The following is an entry in ClinVar:

NM_000430.4(PAFAH1B1):c.701G>C (p.Arg234Thr)

Gene: PAFAH1B1 (platelet activating factor acetylhydrolase 1b regulatory subunit 1; plus strand). Cytogenetic location: 17p13.3.
Variant type: single nucleotide variant.
Coding change: c.701G>C on transcript NM_000430.4 (MANE Select); coding-DNA position 701, G replaced by C.
Protein change: p.Arg234Thr; replaces arginine 234 with threonine.
Molecular consequence: missense variant.
Genome position (GRCh38, 1-based): chr17:2,674,089, G>C. VCF-style: chr17-2674089-G-C. GRCh37 (hg19) VCF-style: chr17-2577383-G-C.
Other names: short protein forms R234T.
Identifiers: ClinVar variation 4714141 (VCV004714141.1).

ClinVar aggregate classification (germline): Uncertain significance (1 of 4 stars; one submission).

Submission:

Labcorp Genetics (formerly Invitae), Labcorp
Classification: Uncertain significance. Last evaluated: 2025-03-01. Review status: criteria provided, single submitter. Criteria: Invitae Variant Classification Sherloc (09022015). Collection method: clinical testing. Allele origin: germline.
Comment: This sequence change replaces arginine, which is basic and polar, with threonine, which is neutral and polar, at codon 234 of the PAFAH1B1 protein (p.Arg234Thr). This variant is not present in population databases (gnomAD no frequency). This variant has not been reported in the literature in individuals affected with PAFAH1B1-related conditions. An algorithm developed to predict the effect of missense changes on protein structure and function (PolyPhen-2) suggests that this variant is likely to be tolerated. In summary, the available evidence is currently insufficient to determine the role of this variant in disease. Therefore, it has been classified as a Variant of Uncertain Significance.